The following is an entry in ClinVar:

NM_001031679.3(MSRB3):c.80C>G (p.Ser27Trp)

Gene: MSRB3 (methionine sulfoxide reductase B3; plus strand). Cytogenetic location: 12q14.3.
Variant type: single nucleotide variant.
Coding change: c.80C>G on transcript NM_001031679.3 (MANE Select); coding-DNA position 80, C replaced by G.
Protein change: p.Ser27Trp; replaces serine 27 with tryptophan.
Molecular consequence: missense variant.
Genome position (GRCh38, 1-based): chr12:65,326,829, C>G. VCF-style: chr12-65326829-C-G. GRCh37 (hg19) VCF-style: chr12-65720609-C-G.
Other names: c.80C>G, p.Ser27Trp (NM_001193460.2, NM_001193461.2); c.101C>G, p.Ser34Trp (NM_198080.4); short protein forms S27W, S34W.
Identifiers: ClinVar variation 1254573 (VCV001254573.2), dbSNP rs370812570, ClinGen allele CA6671387.
Genomic context (GRCh38, chr12:65,326,829, plus strand): 5'-AATTATTTAGGATTCAAGCTAAAAAGGCTTCTTCTCCCATATCCTCTCTCTTTTCAGGGT[C>G]GTGTAGGGATAAAAAGAACTGTAAGGTGGTCTTTTCCCAGCAGGAACTGAGGAAGCGGCT-3'
Protein context (NP_001026849.1, residues 17-37): ALRACGLPSG[Ser27Trp]CRDKKNCKVV

ClinVar aggregate classification (germline): Uncertain significance (1 of 4 stars; one submission).

Allele frequency attached by ClinVar (database versions not stated): ESP Exome Variant Server 0.00015.
gnomAD v4.1: 44 of 1,612,412 alleles (0.0027%); highest among the groups gnomAD compares: Middle Eastern, 0.049%; no homozygotes.

Submission:

GeneDx
Classification: Uncertain significance. Last evaluated: 2021-08-11. Review status: criteria provided, single submitter. Criteria: GeneDx Variant Classification Process June 2021. Collection method: clinical testing. Allele origin: germline. Affected: yes.
Comment: Not observed at significant frequency in large population cohorts (Lek et al., 2016); In silico analysis supports that this missense variant has a deleterious effect on protein structure/function; Has not been previously published as pathogenic or benign to our knowledge